The following is an entry in ClinVar:

NM_004655.4(AXIN2):c.660C>T (p.Val220=)

Gene: AXIN2 (axin 2; minus strand). Cytogenetic location: 17q24.1.
Variant type: single nucleotide variant.
Coding change: c.660C>T on transcript NM_004655.4 (MANE Select); coding-DNA position 660, C replaced by T.
Protein change: p.Val220=; no amino-acid change (valine 220 retained).
Molecular consequence: synonymous variant.
Genome position (GRCh38, 1-based): chr17:65,557,961, G>A on the plus strand (C>T on the coding strand, the complement: AXIN2 is on the minus strand). VCF-style: chr17-65557961-G-A. GRCh37 (hg19) VCF-style: chr17-63554079-G-A.
Other names: c.660C>T, p.Val220= (NM_001363813.1).
Identifiers: ClinVar variation 704407 (VCV000704407.16), dbSNP rs1416113967, ClinGen allele CA501691436.

ClinVar aggregate classification (germline): Benign/Likely benign. Review status: criteria provided, multiple submitters, no conflicts (2 of 4 stars). 4 submissions from 4 submitters: Benign (1); Likely benign (2). 1 of the submissions does not count toward it. Last evaluated 2026-01-26.

Conditions:
Oligodontia-cancer predisposition syndrome. Also called: TOOTH AGENESIS-COLORECTAL CANCER SYNDROME. Identifiers: Orphanet 300576, MedGen C1837750, MONDO:0012075, OMIM 608615. Disease mechanism: loss of function.
AXIN2-related disorder.
Hereditary cancer-predisposing syndrome. Also called: Hereditary Cancer Syndrome; Tumor predisposition; Neoplastic Syndromes, Hereditary; Hereditary neoplastic syndrome. Identifiers: Orphanet 140162, MedGen C0027672, MeSH D009386, MONDO:0015356.

Allele frequency attached by ClinVar (database versions not stated): gnomAD exomes below 0.00001 and 0.00001; TOPMed below 0.00001.
gnomAD v4.1: 2 of 1,614,152 alleles (0.00012%); highest among the groups gnomAD compares: Admixed American, 0.0033%; no homozygotes.

Submissions (4):

Labcorp Genetics (formerly Invitae), Labcorp
Classification: Likely benign for Oligodontia-cancer predisposition syndrome. Last evaluated: 2026-01-26. Review status: criteria provided, single submitter. Criteria: Invitae Variant Classification Sherloc (09022015). Collection method: clinical testing. Allele origin: germline.

Myriad Genetics, Inc.
Classification: Benign for Oligodontia-cancer predisposition syndrome. Last evaluated: 2024-06-27. Review status: criteria provided, single submitter. Criteria: Myriad Autosomal Dominant, Autosomal Recessive and X-Linked Classification Criteria (2023). Collection method: clinical testing. Allele origin: unknown.
Comment: This variant is considered benign. This variant is a silent/synonymous amino acid change and it is not expected to impact splicing.

Ambry Genetics
Classification: Likely benign for Hereditary cancer-predisposing syndrome. Last evaluated: 2021-02-03. Review status: criteria provided, single submitter. Criteria: Ambry Variant Classification Scheme 2023. Collection method: clinical testing. Allele origin: germline.

PreventionGenetics, part of Exact Sciences
Classification: Likely benign for AXIN2-related condition. Last evaluated: 2023-04-28. Review status: no assertion criteria provided. Collection method: clinical testing. Allele origin: germline. Not counted in ClinVar's aggregate classification.
Comment: This variant is classified as likely benign based on ACMG/AMP sequence variant interpretation guidelines (Richards et al. 2015 PMID: 25741868, with internal and published modifications).